The following is an entry in ClinVar:

NM_000135.4(FANCA):c.3115G>C (p.Gly1039Arg)

Gene: FANCA (FA complementation group A; minus strand). Cytogenetic location: 16q24.3.
Variant type: single nucleotide variant.
Coding change: c.3115G>C on transcript NM_000135.4 (MANE Select); coding-DNA position 3115, G replaced by C.
Protein change: p.Gly1039Arg; replaces glycine 1039 with arginine.
Molecular consequence: missense variant.
Genome position (GRCh38, 1-based): chr16:89,749,854, C>G on the plus strand (G>C on the coding strand, the complement: FANCA is on the minus strand). VCF-style: chr16-89749854-C-G. GRCh37 (hg19) VCF-style: chr16-89816262-C-G.
Other names: c.3115G>C, p.Gly1039Arg (NM_001286167.3); short protein forms G1039R.
Identifiers: ClinVar variation 4254153 (VCV004254153.1).

ClinVar aggregate classification (germline): Uncertain significance (1 of 4 stars; one submission).

Conditions:
Inborn genetic diseases. Identifiers: MedGen C0950123, MeSH D030342.

Submission:

Ambry Genetics
Classification: Uncertain significance for Inborn genetic diseases. Last evaluated: 2025-06-25. Review status: criteria provided, single submitter. Criteria: Ambry Variant Classification Scheme 2023. Collection method: clinical testing. Allele origin: germline.
Comment: The p.G1039R variant (also known as c.3115G>C), located in coding exon 32 of the FANCA gene, results from a G to C substitution at nucleotide position 3115. The glycine at codon 1039 is replaced by arginine, an amino acid with dissimilar properties. This amino acid position is conserved. In addition, this alteration is predicted to be tolerated by in silico analysis. Based on the available evidence, the clinical significance of this variant remains unclear.